The following is an entry in ClinVar:

NM_000307.5(POU3F4):c.646G>C (p.Gly216Arg)

Gene: POU3F4 (POU class 3 homeobox 4; plus strand). Cytogenetic location: Xq21.1.
Variant type: single nucleotide variant.
Coding change: c.646G>C on transcript NM_000307.5 (MANE Select); coding-DNA position 646, G replaced by C.
Protein change: p.Gly216Arg; replaces glycine 216 with arginine.
Molecular consequence: missense variant.
Genome position (GRCh38, 1-based): chrX:83,508,970, G>C. VCF-style: chrX-83508970-G-C. GRCh37 (hg19) VCF-style: chrX-82763978-G-C.
Other names: short protein forms G216R.
Identifiers: ClinVar variation 4072788 (VCV004072788.1).

ClinVar aggregate classification (germline): Uncertain significance (1 of 4 stars; one submission).

Submission:

GeneDx
Classification: Uncertain significance. Last evaluated: 2025-01-31. Review status: criteria provided, single submitter. Criteria: GeneDx Variant Classification Process June 2021. Collection method: clinical testing. Allele origin: germline. Affected: yes.
Comment: Not observed at significant frequency in large population cohorts (gnomAD); In silico analysis supports that this missense variant has a deleterious effect on protein structure/function; Has not been previously published as pathogenic or benign to our knowledge